The following is an entry in ClinVar:

NM_000038.6(APC):c.2025A>T (p.Thr675=)

Gene: APC (APC regulator of Wnt signaling pathway; plus strand). Cytogenetic location: 5q22.2.
Variant type: single nucleotide variant.
Coding change: c.2025A>T on transcript NM_000038.6 (MANE Select); coding-DNA position 2025, A replaced by T.
Protein change: p.Thr675=; no amino-acid change (threonine 675 retained).
Molecular consequence: synonymous variant. On other transcripts: non-coding transcript variant (2).
Genome position (GRCh38, 1-based): chr5:112,837,619, A>T. VCF-style: chr5-112837619-A-T. GRCh37 (hg19) VCF-style: chr5-112173316-A-T.
Other names: c.2025A>T, p.Thr675= (NM_001127510.3, NM_001354895.2, NM_001407450.1); c.1971A>T, p.Thr657= (NM_001127511.3); c.2079A>T, p.Thr693= (NM_001354896.2, NM_001407447.1, NM_001407448.1 and 1 more transcripts); c.2055A>T, p.Thr685= (NM_001354897.2); c.1950A>T, p.Thr650= (NM_001354898.2); c.1941A>T, p.Thr647= (NM_001354899.2); c.1902A>T, p.Thr634= (NM_001354900.2); c.1848A>T, p.Thr616= (NM_001354901.2, NM_001407453.1); and 11 more.
Identifiers: ClinVar variation 3148378 (VCV003148378.1), dbSNP rs2149859027, ClinGen allele CA445963337.

ClinVar aggregate classification (germline): Benign (1 of 4 stars; one submission).

Conditions:
Familial adenomatous polyposis 1 (FAP1). Also called: POLYPOSIS, ADENOMATOUS INTESTINAL; FAMILIAL ADENOMATOUS POLYPOSIS 1, ATTENUATED. Identifiers: MedGen C2713442, MONDO:0021056, OMIM 175100. Disease mechanism: loss of function.

Submission:

Myriad Genetics, Inc.
Classification: Benign for Familial adenomatous polyposis 1. Last evaluated: 2024-03-08. Review status: criteria provided, single submitter. Criteria: Myriad Autosomal Dominant, Autosomal Recessive and X-Linked Classification Criteria (2023). Collection method: clinical testing. Allele origin: unknown.
Comment: This variant is considered benign. This variant is a silent/synonymous amino acid change and it is not expected to impact splicing.